The following is an entry in ClinVar:

ClinVar aggregate classification (germline): Uncertain significance. Review status: criteria provided, multiple submitters, no conflicts (2 of 4 stars). 2 submissions from 2 submitters: Uncertain significance (2). Last evaluated 2024-06-25.

Allele frequency attached by ClinVar (database versions not stated): gnomAD exomes below 0.00001; TOPMed below 0.00001; ExAC 0.00001; gnomAD 0.00002; ESP Exome Variant Server 0.00008.
gnomAD v4.1: 4 of 1,613,572 alleles (0.00025%); highest among the groups gnomAD compares: African/African-American, 0.0027%; no homozygotes.

Submissions (2):

Labcorp Genetics (formerly Invitae), Labcorp
Classification: Uncertain significance. Last evaluated: 2024-06-25. Review status: criteria provided, single submitter. Criteria: Invitae Variant Classification Sherloc (09022015). Collection method: clinical testing. Allele origin: germline.
Comment: This sequence change replaces arginine, which is basic and polar, with cysteine, which is neutral and slightly polar, at codon 1142 of the RAI1 protein (p.Arg1142Cys). This variant is present in population databases (rs145704270, gnomAD 0.007%). This variant has not been reported in the literature in individuals affected with RAI1-related conditions. Advanced modeling of protein sequence and biophysical properties (such as structural, functional, and spatial information, amino acid conservation, physicochemical variation, residue mobility, and thermodynamic stability) performed at Invitae indicates that this missense variant is not expected to disrupt RAI1 protein function with a negative predictive value of 80%. In summary, the available evidence is currently insufficient to determine the role of this variant in disease. Therefore, it has been classified as a Variant of Uncertain Significance.

GeneDx
Classification: Uncertain significance. Last evaluated: 2023-12-08. Review status: criteria provided, single submitter. Criteria: GeneDx Variant Classification Process June 2021. Collection method: clinical testing. Allele origin: germline. Affected: yes.
Comment: In silico analysis supports that this missense variant does not alter protein structure/function; Has not been previously published as pathogenic or benign to our knowledge

NM_030665.4(RAI1):c.3424C>T (p.Arg1142Cys)

Gene: RAI1 (retinoic acid induced 1; plus strand). Cytogenetic location: 17p11.2.
Variant type: single nucleotide variant.
Coding change: c.3424C>T on transcript NM_030665.4 (MANE Select); coding-DNA position 3424, C replaced by T.
Protein change: p.Arg1142Cys; replaces arginine 1142 with cysteine.
Molecular consequence: missense variant.
Genome position (GRCh38, 1-based): chr17:17,796,372, C>T. VCF-style: chr17-17796372-C-T. GRCh37 (hg19) VCF-style: chr17-17699686-C-T.
Other names: c.3424C>T (NM_030665.3); short protein forms R1142C.
Identifiers: ClinVar variation 2897382 (VCV002897382.4), dbSNP rs145704270, ClinGen allele CA8418720.